The following is an entry in ClinVar:

ClinVar aggregate classification (germline): Likely benign (1 of 4 stars; one submission).

Allele frequency attached by ClinVar (database versions not stated): TOPMed 0.00006; gnomAD 0.00007; gnomAD exomes 0.00008; ExAC 0.00013; ESP Exome Variant Server 0.00019.
gnomAD v4.1: 126 of 1,614,008 alleles (0.0078%); highest among the groups gnomAD compares: East Asian, 0.025%; no homozygotes.

Submission:

CeGaT Center for Human Genetics Tuebingen
Classification: Likely benign. Last evaluated: 2023-01-01. Review status: criteria provided, single submitter. Criteria: CeGaT Center For Human Genetics Tuebingen Variant Classification Criteria Version 2. Collection method: clinical testing. Allele origin: germline. Affected: yes. Observed: 1 variant allele.
Comment: SIRPB2: BP4, BP7

NM_001122962.2(SIRPB2):c.555C>T (p.Asp185=)

Genes: SIRPB2 (signal regulatory protein beta 2; minus strand), LOC126862951 (BRD4-independent group 4 enhancer GRCh37_chr20:1458844-1460043; plus strand). Cytogenetic location: 20p13.
Variant type: single nucleotide variant.
Coding change: c.555C>T on transcript NM_001122962.2 (MANE Select); coding-DNA position 555, C replaced by T.
Protein change: p.Asp185=; no amino-acid change (aspartic acid 185 retained).
Molecular consequence: synonymous variant.
Genome position (GRCh38, 1-based): chr20:1,478,504, G>A on the plus strand (C>T on the coding strand, the complement: SIRPB2 is on the minus strand). VCF-style: chr20-1478504-G-A. GRCh37 (hg19) VCF-style: chr20-1459149-G-A.
Other names: c.261C>T, p.Asp87= (NM_001134836.2).
Identifiers: ClinVar variation 2652134 (VCV002652134.24), dbSNP rs112678297, ClinGen allele CA9728191.